The following is an entry in ClinVar:

NM_000213.5(ITGB4):c.3714G>C (p.Leu1238=)

Gene: ITGB4 (integrin subunit beta 4; plus strand). Cytogenetic location: 17q25.1.
Variant type: single nucleotide variant.
Coding change: c.3714G>C on transcript NM_000213.5 (MANE Select); coding-DNA position 3714, G replaced by C.
Protein change: p.Leu1238=; no amino-acid change (leucine 1238 retained).
Molecular consequence: synonymous variant.
Genome position (GRCh38, 1-based): chr17:75,751,032, G>C. VCF-style: chr17-75751032-G-C. GRCh37 (hg19) VCF-style: chr17-73747113-G-C.
Other names: c.3714G>C, p.Leu1238= (NM_001005619.2, NM_001005731.3, NM_001321123.2).
Identifiers: ClinVar variation 3032394 (VCV003032394.2), dbSNP rs750241758, ClinGen allele CA502048310.
Genomic context (GRCh38, chr17:75,751,032, plus strand): 5'-AGTGCCCAGCGAGCCAGGGCGTCTGGCCTTCAATGTCGTCTCCTCCACGGTGACCCAGCT[G>C]AGCTGGGCTGAGCCGGCTGAGACCAACGGTGAGATCACAGCCTACGAGGTCTGCTATGGC-3'
Protein context (NP_000204.3, residues 1228-1248): FNVVSSTVTQ[Leu1238=]SWAEPAETNG

ClinVar aggregate classification (germline): Likely benign (0 of 4 stars; one submission).

Conditions:
ITGB4-related disorder. Also called: ITGB4-related condition.

Submission:

PreventionGenetics, part of Exact Sciences
Classification: Likely benign for ITGB4-related condition. Last evaluated: 2023-08-05. Review status: no assertion criteria provided. Collection method: clinical testing. Allele origin: germline.
Comment: This variant is classified as likely benign based on ACMG/AMP sequence variant interpretation guidelines (Richards et al. 2015 PMID: 25741868, with internal and published modifications).